The following is an entry in ClinVar:

NM_003970.4(MYOM2):c.367C>T (p.Arg123Cys)

Gene: MYOM2 (myomesin 2; plus strand). Cytogenetic location: 8p23.3.
Variant type: single nucleotide variant.
Coding change: c.367C>T on transcript NM_003970.4 (MANE Select); coding-DNA position 367, C replaced by T.
Protein change: p.Arg123Cys; replaces arginine 123 with cysteine.
Molecular consequence: missense variant.
Genome position (GRCh38, 1-based): chr8:2,057,451, C>T. VCF-style: chr8-2057451-C-T. GRCh37 (hg19) VCF-style: chr8-2005569-C-T.
Other names: short protein forms R123C.
Identifiers: ClinVar variation 3033344 (VCV003033344.2), dbSNP rs143720590, ClinGen allele CA170441934.

ClinVar aggregate classification (germline): Benign (0 of 4 stars; one submission).

Conditions:
MYOM2-related disorder. Also called: MYOM2-related condition.

Allele frequency attached by ClinVar (database versions not stated): gnomAD exomes 0.00036; ExAC 0.00112; 1000 Genomes Project 30x 0.00328; gnomAD 0.00338; 1000 Genomes Project 0.00339; ESP Exome Variant Server 0.00369; TOPMed 0.00376.
gnomAD v4.1: 1,055 of 1,614,002 alleles (0.065%); highest among the groups gnomAD compares: African/African-American, 1.2%; 6 homozygotes.

Submission:

PreventionGenetics, part of Exact Sciences
Classification: Benign for MYOM2-related condition. Last evaluated: 2019-03-22. Review status: no assertion criteria provided. Collection method: clinical testing. Allele origin: germline.
Comment: This variant is classified as benign based on ACMG/AMP sequence variant interpretation guidelines (Richards et al. 2015 PMID: 25741868, with internal and published modifications).